The following is an entry in ClinVar:

NM_000038.6(APC):c.5066C>A (p.Thr1689Asn)

Gene: APC (APC regulator of Wnt signaling pathway; plus strand). Cytogenetic location: 5q22.2.
Variant type: single nucleotide variant.
Coding change: c.5066C>A on transcript NM_000038.6 (MANE Select); coding-DNA position 5066, C replaced by A.
Protein change: p.Thr1689Asn; replaces threonine 1689 with asparagine.
Molecular consequence: missense variant.
Genome position (GRCh38, 1-based): chr5:112,840,660, C>A. VCF-style: chr5-112840660-C-A. GRCh37 (hg19) VCF-style: chr5-112176357-C-A.
Other names: c.5066C>A, p.Thr1689Asn (NM_001127510.3, NM_001354895.2); c.5012C>A, p.Thr1671Asn (NM_001127511.3); c.5120C>A, p.Thr1707Asn (NM_001354896.2); c.5096C>A, p.Thr1699Asn (NM_001354897.2); c.4991C>A, p.Thr1664Asn (NM_001354898.2); c.4982C>A, p.Thr1661Asn (NM_001354899.2); c.4943C>A, p.Thr1648Asn (NM_001354900.2); c.4889C>A, p.Thr1630Asn (NM_001354901.2); and 5 more; short protein forms T1671N, T1689N, T1563N, T1630N, T1648N, T1707N, T1598N, T1661N.
Identifiers: ClinVar variation 423347 (VCV000423347.15), dbSNP rs551084068, ClinGen allele CA040545.

ClinVar aggregate classification (germline): Uncertain significance. Review status: criteria provided, multiple submitters, no conflicts (2 of 4 stars). 4 submissions from 4 submitters: Uncertain significance (4). Last evaluated 2025-06-06.

Conditions:
Hereditary cancer-predisposing syndrome. Also called: Hereditary neoplastic syndrome; Neoplastic Syndromes, Hereditary; Tumor predisposition; Hereditary Cancer Syndrome. Identifiers: Orphanet 140162, MedGen C0027672, MeSH D009386, MONDO:0015356.
Familial adenomatous polyposis 1 (FAP1). Also called: FAMILIAL ADENOMATOUS POLYPOSIS 1, ATTENUATED; POLYPOSIS, ADENOMATOUS INTESTINAL. Identifiers: MedGen C2713442, MONDO:0021056, OMIM 175100. Disease mechanism: loss of function.

Allele frequency attached by ClinVar (database versions not stated): gnomAD 0.00001; 1000 Genomes Project 30x 0.00016; 1000 Genomes Project 0.00020.
gnomAD v4.1: 2 of 1,613,932 alleles (0.00012%); highest among the groups gnomAD compares: Admixed American, 0.0017%; no homozygotes.

Submissions (4):

Labcorp Genetics (formerly Invitae), Labcorp
Classification: Uncertain significance for Familial adenomatous polyposis 1. Last evaluated: 2025-06-06. Review status: criteria provided, single submitter. Criteria: Invitae Variant Classification Sherloc (09022015). Collection method: clinical testing. Allele origin: germline.
Comment: This sequence change replaces threonine, which is neutral and polar, with asparagine, which is neutral and polar, at codon 1689 of the APC protein (p.Thr1689Asn). This variant is present in population databases (rs551084068, gnomAD 0.003%). This variant has not been reported in the literature in individuals affected with APC-related conditions. ClinVar contains an entry for this variant (Variation ID: 423347). Invitae Evidence Modeling of protein sequence and biophysical properties (such as structural, functional, and spatial information, amino acid conservation, physicochemical variation, residue mobility, and thermodynamic stability) indicates that this missense variant is not expected to disrupt APC protein function with a negative predictive value of 95%. In summary, the available evidence is currently insufficient to determine the role of this variant in disease. Therefore, it has been classified as a Variant of Uncertain Significance.

Ambry Genetics
Classification: Uncertain significance for Hereditary cancer-predisposing syndrome. Last evaluated: 2024-02-19. Review status: criteria provided, single submitter. Criteria: Ambry Variant Classification Scheme 2023. Collection method: clinical testing. Allele origin: germline.
Comment: The p.T1689N variant (also known as c.5066C>A), located in coding exon 15 of the APC gene, results from a C to A substitution at nucleotide position 5066. The threonine at codon 1689 is replaced by asparagine, an amino acid with similar properties. This amino acid position is highly conserved in available vertebrate species. In addition, in silico predictors for this gene do not accurately predict pathogenicity. Based on the available evidence, the clinical significance of this alteration remains unclear.

Baylor Genetics
Classification: Uncertain significance for Familial adenomatous polyposis 1. Last evaluated: 2023-07-05. Review status: criteria provided, single submitter. Criteria: ACMG Guidelines, 2015. Collection method: clinical testing. Allele origin: unknown.

GeneDx
Classification: Uncertain significance. Last evaluated: 2019-11-20. Review status: criteria provided, single submitter. Criteria: GeneDx Variant Classification Process June 2021. Collection method: clinical testing. Allele origin: germline. Affected: yes.
Comment: Not observed at a significant frequency in large population cohorts (Lek 2016); In silico analysis, which includes protein predictors and evolutionary conservation, supports that this variant does not alter protein structure/function; Has not been previously published as pathogenic or benign to our knowledge